The following is an entry in ClinVar:

NM_014712.3(SETD1A):c.4027G>C (p.Val1343Leu)

Gene: SETD1A (SET domain containing 1A, histone lysine methyltransferase; plus strand). Cytogenetic location: 16p11.2.
Variant type: single nucleotide variant.
Coding change: c.4027G>C on transcript NM_014712.3 (MANE Select); coding-DNA position 4027, G replaced by C.
Protein change: p.Val1343Leu; replaces valine 1343 with leucine.
Molecular consequence: missense variant.
Genome position (GRCh38, 1-based): chr16:30,979,813, G>C. VCF-style: chr16-30979813-G-C. GRCh37 (hg19) VCF-style: chr16-30991134-G-C.
Other names: short protein forms V1343L.
Identifiers: ClinVar variation 4074638 (VCV004074638.1).

ClinVar aggregate classification (germline): Uncertain significance (1 of 4 stars; one submission).

Submission:

GeneDx
Classification: Uncertain significance. Last evaluated: 2025-02-05. Review status: criteria provided, single submitter. Criteria: GeneDx Variant Classification Process June 2021. Collection method: clinical testing. Allele origin: germline. Affected: yes.
Comment: Not observed at significant frequency in large population cohorts (gnomAD); In silico analysis indicates that this missense variant does not alter protein structure/function; Has not been previously published as pathogenic or benign to our knowledge